The following is an entry in ClinVar:

ClinVar aggregate classification (germline): Uncertain significance (1 of 4 stars; one submission).

Conditions:
Dilated cardiomyopathy 1O (CMD1O). Also called: CARDIOMYOPATHY, DILATED, WITH VENTRICULAR TACHYCARDIA. Identifiers: Orphanet 154, MedGen C1837839, MONDO:0012062, OMIM 608569.

Submission:

Labcorp Genetics (formerly Invitae), Labcorp
Classification: Uncertain significance for Dilated cardiomyopathy 1O. Last evaluated: 2022-03-03. Review status: criteria provided, single submitter. Criteria: Invitae Variant Classification Sherloc (09022015). Collection method: clinical testing. Allele origin: germline.
Comment: In summary, the available evidence is currently insufficient to determine the role of this variant in disease. Therefore, it has been classified as a Variant of Uncertain Significance. Algorithms developed to predict the effect of missense changes on protein structure and function (SIFT, PolyPhen-2, Align-GVGD) all suggest that this variant is likely to be tolerated. This variant has not been reported in the literature in individuals affected with ABCC9-related conditions. This variant is not present in population databases (gnomAD no frequency). This sequence change replaces threonine, which is neutral and polar, with isoleucine, which is neutral and non-polar, at codon 1287 of the ABCC9 protein (p.Thr1287Ile).

NM_020297.4(ABCC9):c.3860C>T (p.Thr1287Ile)

Genes: ABCC9 (ATP binding cassette subfamily C member 9; minus strand), KCNJ8-AS1 (KCNJ8 antisense RNA 1; plus strand). Cytogenetic location: 12p12.1.
Variant type: single nucleotide variant.
Coding change: c.3860C>T on transcript NM_020297.4 (MANE Select); coding-DNA position 3860, C replaced by T.
Protein change: p.Thr1287Ile; replaces threonine 1287 with isoleucine.
Molecular consequence: missense variant.
Genome position (GRCh38, 1-based): chr12:21,817,219, G>A on the plus strand (C>T on the coding strand, the complement: ABCC9 is on the minus strand). VCF-style: chr12-21817219-G-A. GRCh37 (hg19) VCF-style: chr12-21970153-G-A.
Other names: c.3860C>T, p.Thr1287Ile (NM_001377273.1, NM_005691.4); c.2993C>T, p.Thr998Ile (NM_001377274.1); short protein forms T998I, T1287I.
Identifiers: ClinVar variation 2105823 (VCV002105823.4), dbSNP rs2540877806, ClinGen allele CA384136424.